The following is an entry in ClinVar:

NM_018341.3(ERMARD):c.2035T>C (p.Ter679Arg)

Gene: ERMARD (ER membrane associated RNA degradation; plus strand). Cytogenetic location: 6q27.
Variant type: single nucleotide variant.
Coding change: c.2035T>C on transcript NM_018341.3 (MANE Select); coding-DNA position 2035, T replaced by C.
Protein change: p.Ter679Arg.
Molecular consequence: stop lost.
Genome position (GRCh38, 1-based): chr6:169,781,511, T>C. VCF-style: chr6-169781511-T-C. GRCh37 (hg19) VCF-style: chr6-170181607-T-C.
Other names: c.1894T>C, p.Ter632Arg (NM_001278531.2); c.1657T>C, p.Ter553Arg (NM_001278532.2); c.1816T>C, p.Ter606Arg (NM_001278533.2); c.1627T>C, p.Ter543Arg (NM_001410957.1).
Identifiers: ClinVar variation 3621580 (VCV003621580.2).

ClinVar aggregate classification (germline): Uncertain significance (1 of 4 stars; one submission).

gnomAD v4.1: 60 of 1,584,958 alleles (0.0038%); highest among the groups gnomAD compares: African/African-American, 0.016%; no homozygotes.

Submission:

Labcorp Genetics (formerly Invitae), Labcorp
Classification: Uncertain significance. Last evaluated: 2024-05-02. Review status: criteria provided, single submitter. Criteria: Invitae Variant Classification Sherloc (09022015). Collection method: clinical testing. Allele origin: germline.
Comment: This sequence change disrupts the translational stop signal of the ERMARD mRNA. It is expected to extend the length of the ERMARD protein by 14 additional amino acid residues. This variant is present in population databases (rs751296559, gnomAD 0.01%). This variant has not been reported in the literature in individuals affected with ERMARD-related conditions. Algorithms developed to predict the effect of sequence changes on RNA splicing suggest that this variant may create or strengthen a splice site. In summary, the available evidence is currently insufficient to determine the role of this variant in disease. Therefore, it has been classified as a Variant of Uncertain Significance.